The following is an entry in ClinVar:

NM_000475.5(NR0B1):c.1157T>G (p.Leu386Arg)

Gene: NR0B1 (nuclear receptor subfamily 0 group B member 1; minus strand). Cytogenetic location: Xp21.2.
Variant type: single nucleotide variant.
Coding change: c.1157T>G on transcript NM_000475.5 (MANE Select); coding-DNA position 1157, T replaced by G.
Protein change: p.Leu386Arg; replaces leucine 386 with arginine.
Molecular consequence: missense variant.
Genome position (GRCh38, 1-based): chrX:30,308,207, A>C on the plus strand (T>G on the coding strand, the complement: NR0B1 is on the minus strand). VCF-style: chrX-30308207-A-C. GRCh37 (hg19) VCF-style: chrX-30326324-A-C.
Other names: short protein forms L386R.
Identifiers: ClinVar variation 2940020 (VCV002940020.3), dbSNP rs2519050800, ClinGen allele CA412546220.

ClinVar aggregate classification (germline): Uncertain significance (1 of 4 stars; one submission).

Conditions:
46,XY sex reversal 2. Also called: NR0B1-Related 46,XY CGD; NR0B1-related 46,XY complete gonadal dysgenesis; Dosage-sensitive sex reversal; 46,XY SEX REVERSAL, DAX1-RELATED; 46XY sex reversal 2, dosage-sensitive. Identifiers: MedGen C1848296, MONDO:0010226, OMIM 300018.
Congenital adrenal hypoplasia, X-linked (AHC). Also called: Isolated X-Linked Adrenal Hypoplasia Congenita; X-linked AHC; X-Linked Adrenal Hypoplasia Congenita; ADRENAL HYPOPLASIA, CONGENITAL, WITH HYPOGONADOTROPIC HYPOGONADISM. Identifiers: Orphanet 95702, MedGen C0342482, MONDO:0010264, OMIM 300200. Disease mechanism: loss of function.

Submission:

Labcorp Genetics (formerly Invitae), Labcorp
Classification: Uncertain significance for Congenital adrenal hypoplasia, X-linked; 46,XY sex reversal 2. Last evaluated: 2024-09-24. Review status: criteria provided, single submitter. Criteria: Invitae Variant Classification Sherloc (09022015). Collection method: clinical testing. Allele origin: germline.
Comment: This sequence change replaces leucine, which is neutral and non-polar, with arginine, which is basic and polar, at codon 386 of the NR0B1 protein (p.Leu386Arg). This variant is not present in population databases (gnomAD no frequency). This missense change has been observed in individual(s) with congenital adrenal hypoplasia (PMID: 37237297). Invitae Evidence Modeling of protein sequence and biophysical properties (such as structural, functional, and spatial information, amino acid conservation, physicochemical variation, residue mobility, and thermodynamic stability) has been performed for this missense variant. However, the output from this modeling did not meet the statistical confidence thresholds required to predict the impact of this variant on NR0B1 protein function. This variant disrupts the p.Leu386 amino acid residue in NR0B1. Other variant(s) that disrupt this residue have been determined to be pathogenic (PMID: 21029627, 32482417, 35230670, 37237297). This suggests that this residue is clinically significant, and that variants that disrupt this residue are likely to be disease-causing. In summary, the available evidence is currently insufficient to determine the role of this variant in disease. Therefore, it has been classified as a Variant of Uncertain Significance.

Literature cited by the submitters: PubMed 37237297; PubMed 21029627; PubMed 32482417; PubMed 35230670.